The following is an entry in ClinVar:

ClinVar aggregate classification (germline): Uncertain significance (1 of 4 stars; one submission).

Conditions:
EGFR-related lung cancer (EGFR). Identifiers: MedGen CN130014.

Allele frequency attached by ClinVar (database versions not stated): gnomAD exomes below 0.00001; TOPMed below 0.00001.
gnomAD v4.1: 1 of 1,614,246 alleles (0.000062%); highest among the groups gnomAD compares: Admixed American, 0.0017%; no homozygotes.

Submission:

Labcorp Genetics (formerly Invitae), Labcorp
Classification: Uncertain significance for EGFR-related lung cancer. Last evaluated: 2024-06-02. Review status: criteria provided, single submitter. Criteria: Invitae Variant Classification Sherloc (09022015). Collection method: clinical testing. Allele origin: germline.
Comment: This sequence change replaces histidine, which is basic and polar, with tyrosine, which is neutral and polar, at codon 418 of the EGFR protein (p.His418Tyr). This variant is present in population databases (no rsID available, gnomAD 0.003%). This variant has not been reported in the literature in individuals affected with EGFR-related conditions. ClinVar contains an entry for this variant (Variation ID: 844873). Advanced modeling of protein sequence and biophysical properties (such as structural, functional, and spatial information, amino acid conservation, physicochemical variation, residue mobility, and thermodynamic stability) performed at Invitae indicates that this missense variant is not expected to disrupt EGFR protein function with a negative predictive value of 80%. In summary, the available evidence is currently insufficient to determine the role of this variant in disease. Therefore, it has been classified as a Variant of Uncertain Significance.

NM_005228.5(EGFR):c.1252C>T (p.His418Tyr)

Gene: EGFR (epidermal growth factor receptor; plus strand). Cytogenetic location: 7p11.2.
Variant type: single nucleotide variant.
Coding change: c.1252C>T on transcript NM_005228.5 (MANE Select); coding-DNA position 1252, C replaced by T.
Protein change: p.His418Tyr; replaces histidine 418 with tyrosine.
Molecular consequence: missense variant.
Genome position (GRCh38, 1-based): chr7:55,157,707, C>T. VCF-style: chr7-55157707-C-T. GRCh37 (hg19) VCF-style: chr7-55225400-C-T.
Other names: c.1117C>T, p.His373Tyr (NM_001346897.2, NM_001346899.2); c.1252C>T, p.His418Tyr (NM_001346898.2, NM_201282.2, NM_201284.2); c.1093C>T, p.His365Tyr (NM_001346900.2); c.451C>T, p.His151Tyr (NM_001346941.2); short protein forms H365Y, H151Y, H373Y, H418Y.
Identifiers: ClinVar variation 844873 (VCV000844873.9), dbSNP rs1390766480, ClinGen allele CA367579188.
Genomic context (GRCh38, chr7:55,157,707, plus strand): 5'-TTCATCTGCCTTACAGGGTTTTTGCTGATTCAGGCTTGGCCTGAAAACAGGACGGACCTC[C>T]ATGCCTTTGAGAACCTAGAAATCATACGCGGCAGGACCAAGCAACAGTAAGTTGACCACA-3'
Protein context (NP_005219.2, residues 408-428): QAWPENRTDL[His418Tyr]AFENLEIIRG